The following is an entry in ClinVar:

ClinVar aggregate classification (germline): Benign. Review status: criteria provided, multiple submitters, no conflicts (2 of 4 stars). 2 submissions from 2 submitters: Benign (2). Last evaluated 2018-03-13.

Submissions (2):

GeneDx
Classification: Benign. Last evaluated: 2018-03-13. Review status: criteria provided, single submitter. Criteria: GeneDx Variant Classification (06012015). Collection method: clinical testing. Allele origin: germline. Affected: yes.
Comment: This variant is considered likely benign or benign based on one or more of the following criteria: it is a conservative change, it occurs at a poorly conserved position in the protein, it is predicted to be benign by multiple in silico algorithms, and/or has population frequency not consistent with disease.

Breakthrough Genomics
Classification: Benign. Review status: criteria provided, single submitter. Criteria: ACMG Guidelines, 2015. Collection method: not provided. Allele origin: germline. Inheritance: Unknown mechanism. Affected: yes.

NM_000868.4(HTR2C):c.-697=

Gene: HTR2C (5-hydroxytryptamine receptor 2C; plus strand). Cytogenetic location: Xq23.
Variant type: Variation.
Coding change: c.-697= on transcript NM_000868.4 (MANE Select); 697 bases upstream of the start codon, no change from the reference sequence.
Molecular consequence: no sequence alteration.
Genome position: GRCh38 VCF-style: chrX-114584109-C-C. GRCh37 (hg19) VCF-style: chrX-113818582-G-C.
Other names: c.-788= (NM_001256760.3); c.-697= (NM_001256761.3).
Identifiers: ClinVar variation 676336 (VCV000676336.2).